The following is an entry in ClinVar:

NM_001005373.4(LRSAM1):c.2134_2145del (p.Asp712_Gln715del)

Gene: LRSAM1 (leucine rich repeat and sterile alpha motif containing 1; plus strand). Cytogenetic location: 9q34.11.
Variant type: Deletion.
Coding change: c.2134_2145del on transcript NM_001005373.4 (MANE Select); coding-DNA positions 2134 to 2145, 12 bases deleted (GACATCGCCCAG).
Protein change: p.Asp712_Gln715del.
Molecular consequence: inframe deletion. On other transcripts: non-coding transcript variant (2).
Genome position (GRCh38, 1-based): chr9:127,502,861-127,502,872, GACATCGCCCAG deleted; deleting any 12 consecutive bases within chr9:127,502,857-127,502,872 gives the same sequence; the c. name uses the placement nearest the transcript's 3' end. VCF-style (leftmost placement, unchanged base first): chr9-127502856-GCCAGGACATCGC-G. GRCh37 (hg19) VCF-style: chr9-130265135-GCCAGGACATCGC-G.
Other names: c.2134_2145del, p.Asp712_Gln715del (NM_001005374.4, NM_001384142.1, NM_138361.5); c.2053_2064del, p.Asp685_Gln688del (NM_001190723.3); c.2035_2046del, p.Asp679_Gln682del (NM_001384143.1); c.1345_1356del, p.Asp449_Gln452del (NM_001384144.1).
Identifiers: ClinVar variation 695015 (VCV000695015.4), dbSNP rs1588144737, ClinGen allele CA915947156.

ClinVar aggregate classification (germline): Uncertain significance. Review status: criteria provided, multiple submitters, no conflicts (2 of 4 stars). 3 submissions from 3 submitters: Uncertain significance (2). 1 of the submissions does not count toward it. Last evaluated 2024-07-23.

Conditions:
Charcot-Marie-Tooth disease. Also called: Charcot-Marie-Tooth Neuropathy; Charcot-Marie-Tooth Hereditary Neuropathy. Identifiers: Orphanet 166, MedGen C0007959, MONDO:0015626.
Charcot-Marie-Tooth disease axonal type 2P. Also called: CHARCOT-MARIE-TOOTH NEUROPATHY, TYPE 2P; Charcot-Marie-Tooth Neuropathy Type 2G; CHARCOT-MARIE-TOOTH DISEASE, AXONAL, TYPE 2G; CMT 2G. Identifiers: Orphanet 300319, Orphanet 99941, MedGen C3280797, MONDO:0013753, OMIM 614436.

Submissions (3):

Labcorp Genetics (formerly Invitae), Labcorp
Classification: Uncertain significance for Charcot-Marie-Tooth disease axonal type 2P. Last evaluated: 2024-07-23. Review status: criteria provided, single submitter. Criteria: Invitae Variant Classification Sherloc (09022015). Collection method: clinical testing. Allele origin: germline.
Comment: This variant, c.2134_2145del, results in the deletion of 4 amino acid(s) of the LRSAM1 protein (p.Asp712_Gln715del), but otherwise preserves the integrity of the reading frame. This variant is not present in population databases (gnomAD no frequency). This variant has not been reported in the literature in individuals affected with LRSAM1-related conditions. ClinVar contains an entry for this variant (Variation ID: 695015). Experimental studies and prediction algorithms are not available or were not evaluated, and the functional significance of this variant is currently unknown. In summary, the available evidence is currently insufficient to determine the role of this variant in disease. Therefore, it has been classified as a Variant of Uncertain Significance.

3billion
Classification: Uncertain significance for Charcot-Marie-Tooth disease axonal type 2P. Last evaluated: 2023-08-22. Review status: criteria provided, single submitter. Criteria: ACMG Guidelines, 2015. Collection method: clinical testing. Allele origin: germline. Affected: yes.
Comment: The variant is not observed in the gnomAD v2.1.1 dataset. Predicted Consequence/Location: Inframe deletion located in a nonrepeat region: predicted to change the length of the protein and disrupt normal protein function. Therefore, this variant is classified as VUS according to the recommendation of ACMG/AMP guideline.

Genesis Genome Database
Classification: Uncertain significance for Charcot-Marie-Tooth disease. Last evaluated: 2019-08-14. Review status: no assertion criteria provided. Collection method: research. Allele origin: germline. Affected: yes. Not counted in ClinVar's aggregate classification.